The following is an entry in ClinVar:

ClinVar aggregate classification (germline): Pathogenic/Likely pathogenic. Review status: criteria provided, multiple submitters, no conflicts (2 of 4 stars). 7 submissions from 7 submitters: Pathogenic (3); Likely pathogenic (3). 1 of the submissions does not count toward it. Last evaluated 2025-09-25.

Conditions:
Neurofibromatosis, type 1 (NF1). Also called: VON RECKLINGHAUSEN DISEASE; NEUROFIBROMATOSIS, TYPE I, SOMATIC; Peripheral type neurofibromatosis; Neurofibromatosis, type I. Identifiers: Orphanet 636, MedGen C0027831, MONDO:0018975, OMIM 162200. Disease mechanism: loss of function.
NF1-related disorder. Also called: NF1-related condition. Identifiers: MedGen CN379171.

Submissions (7):

NHS Central & South Genomic Laboratory Hub
Classification: Pathogenic for Neurofibromatosis type 1. Last evaluated: 2025-09-25. Review status: criteria provided, single submitter. Criteria: ACMG Guidelines, 2015. Collection method: clinical testing. Allele origin: germline. Affected: yes.

Labcorp Genetics (formerly Invitae), Labcorp
Classification: Pathogenic for Neurofibromatosis, type 1. Last evaluated: 2025-08-15. Review status: criteria provided, single submitter. Criteria: Invitae Variant Classification Sherloc (09022015). Collection method: clinical testing. Allele origin: germline.
Comment: This sequence change replaces leucine, which is neutral and non-polar, with proline, which is neutral and non-polar, at codon 1425 of the NF1 protein (p.Leu1425Pro). This variant is not present in population databases (gnomAD no frequency). This missense change has been observed in individual(s) with clinical features of neurofibromatosis type 1 (PMID: 10220149, 10607834, 10712197, 31730495). Invitae Evidence Modeling of clinical and family history, age, sex, and reported ancestry of multiple individuals with this NF1 variant has been performed. This variant is expected to be pathogenic with a positive predictive value of at least 99%. This is a validated machine learning model that incorporates the clinical features of 1,785,918 individuals referred to our laboratory for NF1 testing. ClinVar contains an entry for this variant (Variation ID: 68346). Invitae Evidence Modeling of protein sequence and biophysical properties (such as structural, functional, and spatial information, amino acid conservation, physicochemical variation, residue mobility, and thermodynamic stability) indicates that this missense variant is expected to disrupt NF1 protein function with a positive predictive value of 95%. This variant disrupts the p.Leu1425 amino acid residue in NF1. Other variant(s) that disrupt this residue have been observed in individuals with NF1-related conditions (PMID: 30530636), which suggests that this may be a clinically significant amino acid residue. For these reasons, this variant has been classified as Pathogenic.

GeneDx
Classification: Likely pathogenic. Last evaluated: 2024-08-25. Review status: criteria provided, single submitter. Criteria: GeneDx Variant Classification Process June 2021. Collection method: clinical testing. Allele origin: germline. Affected: yes.
Comment: Not observed at significant frequency in large population cohorts (gnomAD); In silico analysis supports that this missense variant has a deleterious effect on protein structure/function; Functional studies suggest this variant leads to reductions in RAS GAP activity and NF1 expression (Douben H et al. (2023) Hindawi Human Mutation. 2023 (Article ID 9628049):1-14); This variant is associated with the following publications: (PMID: 33794220, 29680440, 10712197, 10220149, 10607834, 31730495, 9668168, 22807134, 25486365, 30530636, 12807981, 18546366, Douben2023[Functional study])

Athena Diagnostics
Classification: Likely pathogenic. Last evaluated: 2024-07-30. Review status: criteria provided, single submitter. Criteria: Athena Diagnostics Criteria. Collection method: clinical testing. Allele origin: unknown.
Comment: This variant has not been reported in large, multi-ethnic general populations. This variant has been identified in multiple unrelated individuals with neurofibromatosis type 1 (NF1). Polyphen and MutationTaster predict this amino acid change may be damaging to the protein.

Genetics and Molecular Pathology, SA Pathology
Classification: Pathogenic for Neurofibromatosis, type 1. Last evaluated: 2022-04-07. Review status: criteria provided, single submitter. Criteria: ACMG Guidelines, 2015. Collection method: clinical testing. Allele origin: germline. Inheritance: Autosomal dominant inheritance. Affected: yes.

Blueprint Genetics
Classification: Likely pathogenic for NF1-related disorders. Last evaluated: 2019-07-18. Review status: criteria provided, single submitter. Criteria: ACMG Guidelines, 2015. Collection method: clinical testing. Allele origin: germline. Affected: yes. Observed: 1 variant allele.

UniProtKB/Swiss-Prot
No classification provided. Review status: no classification provided. Collection method: not provided. Allele origin: not provided. Not counted in ClinVar's aggregate classification.

Literature cited by the submitters: PubMed 10220149 (cited by Labcorp Genetics (formerly Invitae), Labcorp and Athena Diagnostics); PubMed 10607834 (cited by Labcorp Genetics (formerly Invitae), Labcorp and Athena Diagnostics); PubMed 10712197 (cited by Labcorp Genetics (formerly Invitae), Labcorp and Athena Diagnostics); PubMed 31730495 (cited by Labcorp Genetics (formerly Invitae), Labcorp and Athena Diagnostics); PubMed 30530636 (cited by Labcorp Genetics (formerly Invitae), Labcorp and Athena Diagnostics); PubMed 9668168 (cited by Athena Diagnostics); PubMed 12807981 (cited by Athena Diagnostics); PubMed 18546366 (cited by Athena Diagnostics); PubMed 33794220 (cited by Athena Diagnostics); PubMed 29804243 (cited by Athena Diagnostics); PubMed 31573083 (cited by Athena Diagnostics); PubMed 24803665 (cited by Athena Diagnostics).

NM_001042492.3(NF1):c.4337T>C (p.Leu1446Pro)

Gene: NF1 (neurofibromin 1; plus strand). Cytogenetic location: 17q11.2.
Variant type: single nucleotide variant.
Coding change: c.4337T>C on transcript NM_001042492.3 (MANE Select); coding-DNA position 4337, T replaced by C.
Protein change: p.Leu1446Pro; replaces leucine 1446 with proline.
Molecular consequence: missense variant.
Genome position (GRCh38, 1-based): chr17:31,259,036, T>C. VCF-style: chr17-31259036-T-C. GRCh37 (hg19) VCF-style: chr17-29586054-T-C.
Other names: c.4274T>C, p.Leu1425Pro (NM_000267.4); short protein forms L1425P, L1446P.
Identifiers: ClinVar variation 68346 (VCV000068346.15), dbSNP rs199474733, ClinGen allele CA219566.